The following is an entry in ClinVar:

NM_004260.4(RECQL4):c.658C>G (p.Leu220Val)

Gene: RECQL4 (RecQ like helicase 4; minus strand). Cytogenetic location: 8q24.3.
Variant type: single nucleotide variant.
Coding change: c.658C>G on transcript NM_004260.4 (MANE Select); coding-DNA position 658, C replaced by G.
Protein change: p.Leu220Val; replaces leucine 220 with valine.
Molecular consequence: missense variant.
Genome position (GRCh38, 1-based): chr8:144,516,461, G>C on the plus strand (C>G on the coding strand, the complement: RECQL4 is on the minus strand). VCF-style: chr8-144516461-G-C. GRCh37 (hg19) VCF-style: chr8-145741845-G-C.
Other names: short protein forms L220V.
Identifiers: ClinVar variation 1382418 (VCV001382418.6), dbSNP rs747576464, ClinGen allele CA372689861.

ClinVar aggregate classification (germline): Uncertain significance (1 of 4 stars; one submission).

Conditions:
Baller-Gerold syndrome (BGS). Also called: CRANIOSYNOSTOSIS WITH RADIAL DEFECTS. Identifiers: Orphanet 1225, MedGen C0265308, MONDO:0009039, OMIM 218600.

Submission:

Labcorp Genetics (formerly Invitae), Labcorp
Classification: Uncertain significance for Baller-Gerold syndrome. Last evaluated: 2021-07-09. Review status: criteria provided, single submitter. Criteria: Invitae Variant Classification Sherloc (09022015). Collection method: clinical testing. Allele origin: germline.
Comment: In summary, the available evidence is currently insufficient to determine the role of this variant in disease. Therefore, it has been classified as a Variant of Uncertain Significance. Experimental studies and prediction algorithms are not available or were not evaluated, and the functional significance of this variant is currently unknown. This variant has not been reported in the literature in individuals with RECQL4-related conditions. This variant is not present in population databases (ExAC no frequency). This sequence change replaces leucine with valine at codon 220 of the RECQL4 protein (p.Leu220Val). The leucine residue is weak conserved and there is a small physicochemical difference between leucine and valine.